The following is an entry in ClinVar:

NM_000018.4(ACADVL):c.1955C>T (p.Pro652Leu)

Gene: ACADVL (acyl-CoA dehydrogenase very long chain; plus strand). Cytogenetic location: 17p13.1.
Variant type: single nucleotide variant.
Coding change: c.1955C>T on transcript NM_000018.4 (MANE Select); coding-DNA position 1955, C replaced by T.
Protein change: p.Pro652Leu; replaces proline 652 with leucine.
Molecular consequence: missense variant.
Genome position (GRCh38, 1-based): chr17:7,225,084, C>T. VCF-style: chr17-7225084-C-T. GRCh37 (hg19) VCF-style: chr17-7128403-C-T.
Other names: c.1889C>T, p.Pro630Leu (NM_001033859.3); c.2024C>T, p.Pro675Leu (NM_001270447.2); c.1727C>T, p.Pro576Leu (NM_001270448.2); short protein forms P675L, P652L, P576L, P630L.
Identifiers: ClinVar variation 2746191 (VCV002746191.3), dbSNP rs1567570119, ClinGen allele CA397726254.
Genomic context (GRCh38, chr17:7,225,084, plus strand): 5'-GCAACTTCAAAAGCATCTCCAAGGCCTTGGTGGAGCGGGGTGGTGTGGTCACCAGCAACC[C>T]ACTTGGCTTCTGAATACTCCCGGCCAGGGCCTGTCCCAGTTATGTGCCTTCCCTCAAGCC-3'
Protein context (NP_000009.1, residues 642-655): VERGGVVTSN[Pro652Leu]LGF

ClinVar aggregate classification (germline): Uncertain significance (1 of 4 stars; one submission).

Conditions:
Very long chain acyl-CoA dehydrogenase deficiency (ACADVLD). Also called: Very Long-Chain Acyl-Coenzyme A Dehydrogenase Deficiency; VLCAD Deficiency. Identifiers: Orphanet 26793, MedGen C3887523, MONDO:0008723, OMIM 201475.

Allele frequency attached by ClinVar (database versions not stated): gnomAD 0.00001.
gnomAD v4.1: 1 of 1,613,988 alleles (0.000062%); highest among the groups gnomAD compares: South Asian, 0.0011%; no homozygotes.

Submission:

Labcorp Genetics (formerly Invitae), Labcorp
Classification: Uncertain significance for Very long chain acyl-CoA dehydrogenase deficiency. Last evaluated: 2024-01-23. Review status: criteria provided, single submitter. Criteria: Invitae Variant Classification Sherloc (09022015). Collection method: clinical testing. Allele origin: germline.
Comment: This sequence change replaces proline, which is neutral and non-polar, with leucine, which is neutral and non-polar, at codon 652 of the ACADVL protein (p.Pro652Leu). This variant is not present in population databases (gnomAD no frequency). This variant has not been reported in the literature in individuals affected with ACADVL-related conditions. Advanced modeling of protein sequence and biophysical properties (such as structural, functional, and spatial information, amino acid conservation, physicochemical variation, residue mobility, and thermodynamic stability) performed at Invitae indicates that this missense variant is expected to disrupt ACADVL protein function with a positive predictive value of 95%. In summary, the available evidence is currently insufficient to determine the role of this variant in disease. Therefore, it has been classified as a Variant of Uncertain Significance.